The following is an entry in ClinVar:

ClinVar aggregate classification (germline): Uncertain significance (1 of 4 stars; one submission).

Allele frequency attached by ClinVar (database versions not stated): gnomAD 0.00001; ExAC 0.00003; ESP Exome Variant Server 0.00008.
gnomAD v4.1: 14 of 1,613,882 alleles (0.00087%); highest among the groups gnomAD compares: African/African-American, 0.0013%; no homozygotes.

Submission:

Labcorp Genetics (formerly Invitae), Labcorp
Classification: Uncertain significance. Last evaluated: 2025-10-06. Review status: criteria provided, single submitter. Criteria: Invitae Variant Classification Sherloc (09022015). Collection method: clinical testing. Allele origin: germline.
Comment: This sequence change replaces arginine, which is basic and polar, with cysteine, which is neutral and slightly polar, at codon 907 of the CLTC protein (p.Arg907Cys). This variant is present in population databases (rs142283994, gnomAD 0.004%). This variant has not been reported in the literature in individuals affected with CLTC-related conditions. ClinVar contains an entry for this variant (Variation ID: 1460554). Invitae Evidence Modeling of protein sequence and biophysical properties (such as structural, functional, and spatial information, amino acid conservation, physicochemical variation, residue mobility, and thermodynamic stability) indicates that this missense variant is not expected to disrupt CLTC protein function with a negative predictive value of 80%. In summary, the available evidence is currently insufficient to determine the role of this variant in disease. Therefore, it has been classified as a Variant of Uncertain Significance.

NM_004859.4(CLTC):c.2707C>T (p.Arg903Cys)

Gene: CLTC (clathrin heavy chain; plus strand). Cytogenetic location: 17q23.1.
Variant type: single nucleotide variant.
Coding change: c.2707C>T on transcript NM_004859.4 (MANE Select); coding-DNA position 2707, C replaced by T.
Protein change: p.Arg903Cys; replaces arginine 903 with cysteine.
Molecular consequence: missense variant.
Genome position (GRCh38, 1-based): chr17:59,677,099, C>T. VCF-style: chr17-59677099-C-T. GRCh37 (hg19) VCF-style: chr17-57754460-C-T.
Other names: c.2719C>T, p.Arg907Cys (NM_001288653.2); short protein forms R907C, R903C.
Identifiers: ClinVar variation 1460554 (VCV001460554.6), dbSNP rs142283994, ClinGen allele CA8681447.